The following is an entry in ClinVar:

ClinVar aggregate classification (germline): Uncertain significance. Review status: criteria provided, multiple submitters, no conflicts (2 of 4 stars). 4 submissions from 4 submitters: Uncertain significance (4). Last evaluated 2025-08-11.

Conditions:
Inborn genetic diseases. Identifiers: MedGen C0950123, MeSH D030342.
Wilms tumor 1 (WT1). Also called: Wilms tumor, somatic. Identifiers: Orphanet 654, MedGen CN033288, MONDO:0008679, OMIM 194070.
11p partial monosomy syndrome (WAGR). Also called: CHROMOSOME 11p13 DELETION SYNDROME; WAGR Spectrum Disorder; WAGR syndrome; WAGR Complex. Identifiers: Orphanet 893, MedGen C0206115, MONDO:0008681, OMIM 194072.
Frasier syndrome. Identifiers: Orphanet 347, MedGen C0950122, MeSH D052159, MONDO:0007635, OMIM 136680.
Drash syndrome (DDS). Also called: NEPHROPATHY, WILMS TUMOR, AND GENITAL ANOMALIES; WILMS TUMOR AND PSEUDO- OR TRUE HERMAPHRODITISM. Identifiers: Orphanet 220, MedGen C0950121, MONDO:0008682, OMIM 194080.

Allele frequency attached by ClinVar (database versions not stated): gnomAD 0.00001; gnomAD exomes 0.00001; TOPMed 0.00001.

Submissions (4):

Labcorp Genetics (formerly Invitae), Labcorp
Classification: Uncertain significance for Wilms tumor 1; Drash syndrome; 11p partial monosomy syndrome; Frasier syndrome. Last evaluated: 2025-08-11. Review status: criteria provided, single submitter. Criteria: Invitae Variant Classification Sherloc (09022015). Collection method: clinical testing. Allele origin: germline.
Comment: This sequence change replaces cysteine, which is neutral and slightly polar, with tyrosine, which is neutral and polar, at codon 24 of the WT1 protein (p.Cys24Tyr). The frequency data for this variant in the population databases is considered unreliable, as metrics indicate poor data quality at this position in the gnomAD database. This variant has not been reported in the literature in individuals affected with WT1-related conditions. ClinVar contains an entry for this variant (Variation ID: 543133). Invitae Evidence Modeling of protein sequence and biophysical properties (such as structural, functional, and spatial information, amino acid conservation, physicochemical variation, residue mobility, and thermodynamic stability) has been performed for this missense variant. However, the output from this modeling did not meet the statistical confidence thresholds required to predict the impact of this variant on WT1 protein function. In summary, the available evidence is currently insufficient to determine the role of this variant in disease. Therefore, it has been classified as a Variant of Uncertain Significance.

Ambry Genetics
Classification: Uncertain significance for Inborn genetic diseases. Last evaluated: 2024-11-30. Review status: criteria provided, single submitter. Criteria: Ambry Variant Classification Scheme 2023. Collection method: clinical testing. Allele origin: germline.
Comment: The p.C24Y variant (also known as c.71G>A), located in coding exon 1 of the WT1 gene, results from a G to A substitution at nucleotide position 71. The cysteine at codon 24 is replaced by tyrosine, an amino acid with highly dissimilar properties. This amino acid position is conserved. In addition, this alteration is predicted to be tolerated by in silico analysis. Based on the available evidence, the clinical significance of this variant remains unclear.

All of Us Research Program, National Institutes of Health
Classification: Uncertain significance for Wilms tumor 1. Last evaluated: 2024-07-29. Review status: criteria provided, single submitter. Criteria: ACMG Guidelines, 2015. Collection method: clinical testing. Allele origin: germline. Inheritance: Autosomal dominant inheritance. Observed: 3 variant alleles, 3 heterozygotes.
Comment: This missense variant replaces cysteine with tyrosine at codon 24 of the WT1 protein. Computational prediction suggests that this variant may not impact protein structure and function (internally defined REVEL score threshold <= 0.5, PMID: 27666373). To our knowledge, functional studies have not been reported for this variant. This variant has not been reported in individuals affected with WT1-related disorders in the literature. This variant has been identified in 1/130116 chromosomes in the general population by the Genome Aggregation Database (gnomAD). The available evidence is insufficient to determine the role of this variant in disease conclusively. Therefore, this variant is classified as a Variant of Uncertain Significance.

This study involves interpretation of variants in research participants for the purpose of population health screening. Participant phenotype was not available at the time of variant classification. Additional details can be found in publication PMID: 35346344, PMCID: PMC8962531

GeneDx
Classification: Uncertain significance. Last evaluated: 2023-12-23. Review status: criteria provided, single submitter. Criteria: GeneDx Variant Classification Process June 2021. Collection method: clinical testing. Allele origin: germline. Affected: yes.
Comment: Not observed at significant frequency in large population cohorts (gnomAD); In silico analysis supports that this missense variant does not alter protein structure/function; Has not been previously published as pathogenic or benign to our knowledge

NM_024426.6(WT1):c.86G>A (p.Cys29Tyr)

Genes: WT1 (WT1 transcription factor; minus strand), LOC107982234 (WT1/WT1-AS bi-directional promoter region; plus strand). Cytogenetic location: 11p13.
Variant type: single nucleotide variant.
Coding change: c.86G>A on transcript NM_024426.6 (MANE Select); coding-DNA position 86, G replaced by A.
Protein change: p.Cys29Tyr; replaces cysteine 29 with tyrosine.
Molecular consequence: missense variant. On other transcripts: non-coding transcript variant (1).
Genome position (GRCh38, 1-based): chr11:32,435,275, C>T on the plus strand (G>A on the coding strand, the complement: WT1 is on the minus strand). VCF-style: chr11-32435275-C-T. GRCh37 (hg19) VCF-style: chr11-32456821-C-T.
Other names: c.86G>A, p.Cys29Tyr (NM_000378.6, NM_024424.5); short protein forms C29Y.
Identifiers: ClinVar variation 543133 (VCV000543133.14), dbSNP rs992227366, ClinGen allele CA219511456.
Genomic context (GRCh38, chr11:32,435,275, plus strand): 5'-CCTAACTTGGCCCAGATGCCGCCCGGGTCCCGGACTCCCTGCTGCTCTGGCTGCTGTAGG[C>T]ACCCAGGCCCGGAGCGGAGCGTGTGCTGAGACGCCGGCTCCGGGACACACGTGGAAGCCG-3'
Protein context (NP_077744.4, residues 19-39): SQHTLRSGPG[Cys29Tyr]LQQPEQQGVR